The following is an entry in ClinVar:

ClinVar aggregate classification (germline): Uncertain significance (1 of 4 stars; one submission).

Conditions:
Hereditary cancer-predisposing syndrome. Also called: Hereditary Cancer Syndrome; Hereditary neoplastic syndrome; Neoplastic Syndromes, Hereditary; Tumor predisposition. Identifiers: Orphanet 140162, MedGen C0027672, MeSH D009386, MONDO:0015356.

Allele frequency attached by ClinVar (database versions not stated): gnomAD exomes below 0.00001.
gnomAD v4.1: 1 of 1,614,082 alleles (0.000062%); highest among the groups gnomAD compares: Non-Finnish European, 0.000085%; no homozygotes.

Submission:

Ambry Genetics
Classification: Uncertain significance for Hereditary cancer-predisposing syndrome. Last evaluated: 2024-01-09. Review status: criteria provided, single submitter. Criteria: Ambry Variant Classification Scheme 2023. Collection method: clinical testing. Allele origin: germline.
Comment: The p.T344I variant (also known as c.1031C>T), located in coding exon 10 of the FANCC gene, results from a C to T substitution at nucleotide position 1031. The threonine at codon 344 is replaced by isoleucine, an amino acid with similar properties. This amino acid position is poorly conserved in available vertebrate species. In addition, this alteration is predicted to be tolerated by in silico analysis. Since supporting evidence is limited at this time, the clinical significance of this alteration remains unclear.

NM_000136.3(FANCC):c.1031C>T (p.Thr344Ile)

Genes: AOPEP (aminopeptidase O (putative); plus strand), FANCC (FA complementation group C; minus strand). Cytogenetic location: 9q22.32.
Variant type: single nucleotide variant.
Coding change: c.1031C>T on transcript NM_000136.3 (MANE Select); coding-DNA position 1031, C replaced by T.
Protein change: p.Thr344Ile; replaces threonine 344 with isoleucine.
Molecular consequence: missense variant.
Genome position (GRCh38, 1-based): chr9:95,117,356, G>A on the plus strand (C>T on the coding strand, the complement: FANCC is on the minus strand). VCF-style: chr9-95117356-G-A. GRCh37 (hg19) VCF-style: chr9-97879638-G-A.
Other names: c.1031C>T, p.Thr344Ile (NM_001243743.2, NM_001243744.2); short protein forms T344I.
Identifiers: ClinVar variation 1771264 (VCV001771264.2), dbSNP rs2134693111, ClinGen allele CA374108169.
Genomic context (GRCh38, chr9:95,117,356, plus strand): 5'-AAAGTCAACCCTAACTCACCTTGAGGGTCTTGCAGCAGCACCATGGCAAGAGATGGAGAA[G>A]TGTAAGGAAAGTAGGTCTTGAGTGCAAACCGCAGCTGCCACAGGATGGAAAATCCAAAGA-3'
Protein context (NP_000127.2, residues 334-354): RFALKTYFPY[Thr344Ile]SPSLAMVLLQ